The following is an entry in ClinVar:

ClinVar aggregate classification (germline): Pathogenic/Likely pathogenic. Review status: criteria provided, multiple submitters, no conflicts (2 of 4 stars). 5 submissions from 5 submitters: Pathogenic (3); Likely pathogenic (1). 1 of the submissions does not count toward it. Last evaluated 2026-01-28.

Conditions:
Kleefstra syndrome 1 (KLEFS1). Identifiers: Orphanet 261494, MedGen C0795833, MONDO:0027407, OMIM 610253.

Submissions (5):

GeneDx
Classification: Pathogenic. Last evaluated: 2026-01-28. Review status: criteria provided, single submitter. Criteria: GeneDx Variant Classification Process June 2021. Collection method: clinical testing. Allele origin: germline. Affected: yes.
Comment: Identified in patients referred for genetic testing at GeneDx and in published literature with clinical findings consistent with an EHMT1-related disorder, including in one individual as a de novo variant with confirmed parentage (PMID: 39013458); Frameshift variant predicted to result in protein truncation or nonsense mediated decay in a gene for which loss of function is a known mechanism of disease; Not observed at significant frequency in large population cohorts (gnomAD); This variant is associated with the following publications: (PMID: 39013458)

Variantyx, Inc.
Classification: Likely pathogenic for Kleefstra syndrome 1. Last evaluated: 2025-07-24. Review status: criteria provided, single submitter. Criteria: Variantyx Assertion Criteria 2022. Collection method: clinical testing. Allele origin: germline. Inheritance: Autosomal recessive inheritance. Affected: yes.
Comment: This is a frameshift variant in the EHMT1 gene (OMIM: 607001). Pathogenic variants in this gene have been associated with autosomal dominant Kleefstra syndrome 1. This variant introduces a premature termination codon in exon 2 out of 27 and is expected to result in loss of function, which is a known disease mechanism for EHMT1 in this disorder (PMID: 39013458, 16826528, 19264732) (PVS1). This variant has a 0.0005% maximum allele frequency in non-founder control populations (PM2). Based on the current evidence, this variant is classified as likely pathogenic for autosomal dominant Kleefstra syndrome 1.

Labcorp Genetics (formerly Invitae), Labcorp
Classification: Pathogenic for Kleefstra syndrome 1. Last evaluated: 2023-02-01. Review status: criteria provided, single submitter. Criteria: Invitae Variant Classification Sherloc (09022015). Collection method: clinical testing. Allele origin: germline.
Comment: ClinVar contains an entry for this variant (Variation ID: 852882). For these reasons, this variant has been classified as Pathogenic. This variant has not been reported in the literature in individuals affected with EHMT1-related conditions. The frequency data for this variant in the population databases is considered unreliable, as metrics indicate poor data quality at this position in the gnomAD database. This sequence change creates a premature translational stop signal (p.Glu14Glyfs*23) in the EHMT1 gene. It is expected to result in an absent or disrupted protein product. Loss-of-function variants in EHMT1 are known to be pathogenic (PMID: 16826528, 19264732).

Laboratory of Genetics, Children's Clinical University Hospital Latvia
Classification: Pathogenic for Kleefstra syndrome 1. Review status: criteria provided, single submitter. Criteria: ACMG Guidelines, 2015. Collection method: curation. Allele origin: inherited. Affected: yes.

Center for Molecular Medicine, Children’s Hospital of Fudan University
Classification: Pathogenic for Kleefstra syndrome 1. Last evaluated: 2022-03-08. Review status: no assertion criteria provided. Collection method: clinical testing. Allele origin: de novo. Affected: yes. Not counted in ClinVar's aggregate classification.

Literature cited by the submitters: PubMed 39013458 (cited by Variantyx, Inc. and Laboratory of Genetics, Children's Clinical University Hospital Latvia); PubMed 16826528 (cited by Variantyx, Inc. and Labcorp Genetics (formerly Invitae), Labcorp); PubMed 19264732 (cited by Variantyx, Inc. and Labcorp Genetics (formerly Invitae), Labcorp).

NM_024757.5(EHMT1):c.40dup (p.Glu14fs)

Gene: EHMT1 (euchromatic histone lysine methyltransferase 1; plus strand). Cytogenetic location: 9q34.3.
Variant type: Duplication.
Coding change: c.40dup on transcript NM_024757.5 (MANE Select); coding-DNA position 40, one base duplicated (G; older notation c.40dupG).
Protein change: p.Glu14fs; shifts the reading frame from glutamic acid 14.
Molecular consequence: frameshift variant. On other transcripts: intron variant (2).
Genome position (GRCh38, 1-based): chr9:137,710,985, G duplicated; the last of 6 consecutive G bases (chr9:137,710,980-137,710,985); duplicating any one gives the same sequence. VCF-style (leftmost placement, unchanged base first): chr9-137710979-A-AG. GRCh37 (hg19) VCF-style: chr9-140605431-A-AG.
Other names: c.40dup, p.Glu14fs (NM_001145527.2, NM_001354263.2, NM_001354611.2); c.-8-5641dup (NM_001354259.2, NM_001354612.2); c.34delinsAG (NM_024757.5); short protein forms E14fs.
Identifiers: ClinVar variation 852882 (VCV000852882.17), dbSNP rs1564618717, ClinGen allele CA591242140.